The following is an entry in ClinVar:

ClinVar aggregate classification (germline): Uncertain significance (1 of 4 stars; one submission).

Conditions:
Pseudohypoparathyroidism type 1C (PHP1C). Also called: PHP IC; Pseudohypoparathyroidism Ic (PHP-Ic); PSEUDOHYPOPARATHYROIDISM, TYPE IC. Identifiers: Orphanet 79444, MedGen C2932716, MONDO:0012911, OMIM 612462.

Submission:

3billion
Classification: Uncertain significance for Pseudohypoparathyroidism type 1C. Review status: criteria provided, single submitter. Criteria: ACMG Guidelines, 2015. Collection method: clinical testing. Allele origin: unknown. Affected: yes. Observed: 1 heterozygote.
Comment: The variant is not observed in the gnomAD v2.1.1. In silico tools predict the variant to alter splicing and produce an abnormal transcript (SpliceAI: 0.98). Therefore, this variant is classified as Uncertain significance according to the recommendation of ACMG/AMP guideline.

NM_000516.7(GNAS):c.313-3C>G

Gene: GNAS (GNAS complex locus; plus strand). Cytogenetic location: 20q13.32.
Variant type: single nucleotide variant.
Coding change: c.313-3C>G on transcript NM_000516.7 (MANE Select); 3 bases into the intron before coding-DNA position 313, C replaced by G.
Molecular consequence: intron variant.
Genome position (GRCh38, 1-based): chr20:58,903,669, C>G. VCF-style: chr20-58903669-C-G. GRCh37 (hg19) VCF-style: chr20-57478724-C-G.
Other names: c.*219-3C>G (NM_016592.5); c.217-3C>G (NM_001410912.1); c.136-3C>G (NM_001309861.2, NM_001309840.2); c.*174-3C>G (NM_001077490.3); c.2242-3C>G (NM_080425.4); c.2197-3C>G (NM_001410913.1); c.316-3C>G (NM_001077488.5); c.271-3C>G (NM_080426.4); and 1 more.
Identifiers: ClinVar variation 2572555 (VCV002572555.1), dbSNP rs2146182033, ClinGen allele CA2580616349.
Genomic context (GRCh38, chr20:58,903,669, plus strand): 5'-TCTGTCTTGTAGCGCCCTCCCAGCCAGTGCTGTTCCCTGACCGCTTTGCTAAATCATTTT[C>G]AGACCATTGTGGCCGCCATGAGCAACCTGGTGCCCCCCGTGGAGCTGGCCAACCCCGAGA-3'